The following is an entry in ClinVar:

NM_001005242.3(PKP2):c.1379-2112_1379-2099del

Gene: PKP2 (plakophilin 2; minus strand). Cytogenetic location: 12p11.21.
Variant type: Deletion.
Coding change: c.1379-2112_1379-2099del on transcript NM_001005242.3 (MANE Select); 2112 bases into the intron before coding-DNA position 1379 through 2099 bases into the intron before coding-DNA position 1379, 14 bases deleted (ACAGACCATACAGT).
Molecular consequence: intron variant. On other transcripts: splice acceptor variant (1).
Genome position (GRCh38, 1-based): chr12:32,843,304-32,843,317, ACTGTATGGTCTGT deleted on the plus strand (ACAGACCATACAGT on the coding strand, the reverse complement: PKP2 is on the minus strand); deleting any 14 consecutive bases within chr12:32,843,304-32,843,319 gives the same sequence; the c. name uses the placement nearest the transcript's 3' end. VCF-style (leftmost placement, unchanged base first): chr12-32843303-GACTGTATGGTCTGT-G. GRCh37 (hg19) VCF-style: chr12-32996237-GACTGTATGGTCTGT-G.
Other names: c.1379-4_1388del (NM_004572.4).
Identifiers: ClinVar variation 926837 (VCV000926837.3), dbSNP rs1956617072, ClinGen allele CA1139662575.
Genomic context (GRCh38, chr12:32,843,303, plus strand): 5'-AGTGCTGGGATTACAGGCGTGAGCCACCGCGCCCGGCCAGCCATTCCTACTTCTTAAATT[GACTGTATGGTCTGT>G]ACAAAGGAAAGAGGAAGCATAGGTACTCAGGGCAGGCTCCTTTATGAACACAGCAAATGT-3'

ClinVar aggregate classification (germline): Uncertain significance (1 of 4 stars; one submission).

Conditions:
Cardiomyopathy (CMYO). Also called: Cardiomyopathies. Identifiers: Orphanet 167848, MedGen C0878544, MONDO:0004994, HP:0001638. Inheritance: Various modes of inheritance.

Submission:

Color Diagnostics, LLC DBA Color Health
Classification: Uncertain significance for Cardiomyopathy. Last evaluated: 2020-03-20. Review status: criteria provided, single submitter. Criteria: ACMG Guidelines, 2015. Collection method: clinical testing. Allele origin: germline.
Comment: This variant causes a deletion of fourteen nucleotides in intron 5 and exon 6 junction of the PKP2 transcript (NM_004572.3). Splice site prediction tools suggest that this variant may impact RNA splicing and cause aberrant splicing of exon 6. Of note, exon 6 of the PKP2 transcript (NM_004572.3) is naturally spliced out and is absent in the predominant isoform (NM_001005242) expressed in the heart (PMID: 21378009). To our knowledge, transcriptional studies have not been reported for this variant, and the functional impact of this variant is unknown. This variant has not been reported in individuals affected with cardiovascular disorders in the literature. This variant has not been identified in the general population by the Genome Aggregation Database (gnomAD). The available evidence is insufficient to determine the role of this variant in disease conclusively. Therefore, this variant is classified as a Variant of Uncertain Significance.